The following is an entry in ClinVar:

ClinVar aggregate classification (germline): Uncertain significance (1 of 4 stars; one submission).

Conditions:
Cardiomyopathy (CMYO). Also called: Cardiomyopathies. Identifiers: Orphanet 167848, MedGen C0878544, MONDO:0004994, HP:0001638. Inheritance: Various modes of inheritance.

Submission:

Color Diagnostics, LLC DBA Color Health
Classification: Uncertain significance for Cardiomyopathy. Last evaluated: 2023-06-13. Review status: criteria provided, single submitter. Criteria: ACMG Guidelines, 2015. Collection method: clinical testing. Allele origin: germline.
Comment: This missense variant replaces serine with arginine at codon 3792 of the RYR2 protein. Computational prediction is inconclusive regarding the impact of this variant on protein structure and function (internally defined REVEL score threshold 0.5 < inconclusive < 0.7, PMID: 27666373). To our knowledge, functional studies have not been reported for this variant. This variant has not been reported in individuals affected with RYR2-related disorders in the literature. This variant has not been identified in the general population by the Genome Aggregation Database (gnomAD). The available evidence is insufficient to determine the role of this variant in disease conclusively. Therefore, this variant is classified as a Variant of Uncertain Significance.

NM_001035.3(RYR2):c.11376C>G (p.Ser3792Arg)

Gene: RYR2 (ryanodine receptor 2; plus strand). Cytogenetic location: 1q43.
Variant type: single nucleotide variant.
Coding change: c.11376C>G on transcript NM_001035.3 (MANE Select); coding-DNA position 11376, C replaced by G.
Protein change: p.Ser3792Arg; replaces serine 3792 with arginine.
Molecular consequence: missense variant.
Genome position (GRCh38, 1-based): chr1:237,759,826, C>G. VCF-style: chr1-237759826-C-G. GRCh37 (hg19) VCF-style: chr1-237923126-C-G.
Other names: short protein forms S3792R.
Identifiers: ClinVar variation 2774386 (VCV002774386.2), dbSNP rs2527445418, ClinGen allele CA345428847.
Genomic context (GRCh38, chr1:237,759,826, plus strand): 5'-ATTCCCATAGAAAATGCTTGACTACCTCAAGGAGAAAAAGGATGTGGGCTTCTTTCAGAG[C>G]CTGGCCGGCCTGATGCAGTCATGTAGGTAAGGACTCACTTCCTTCTTGGGGGTTCTACTC-3'
Protein context (NP_001026.2, residues 3782-3802): KEKKDVGFFQ[Ser3792Arg]LAGLMQSCSV